The following is an entry in ClinVar:

ClinVar aggregate classification (germline): Uncertain significance. Review status: criteria provided, multiple submitters, no conflicts (2 of 4 stars). 2 submissions from 2 submitters: Uncertain significance (2). Last evaluated 2026-08-19.

Conditions:
UBR1-related disorder. Also called: UBR1-related condition.

Allele frequency attached by ClinVar (database versions not stated): gnomAD exomes 0.00014 and 0.00031; 1000 Genomes Project 30x 0.00016; ExAC 0.00017; 1000 Genomes Project 0.00020; gnomAD 0.00025 and 0.00026; TOPMed 0.00025; ESP Exome Variant Server 0.00031.
gnomAD v4.1: 483 of 1,614,150 alleles (0.03%); highest among the groups gnomAD compares: Non-Finnish European, 0.038%; 1 homozygote.

Submissions (2):

PreventionGenetics, part of Exact Sciences
Classification: Uncertain significance for UBR1-related condition. Last evaluated: 2026-08-19. Review status: criteria provided, single submitter. Criteria: ACMG Guidelines, 2015. Collection method: clinical testing. Allele origin: germline.
Comment: The UBR1 c.1065A>C variant is predicted to result in the amino acid substitution p.Leu355Phe. To our knowledge, this variant has not been reported in the literature. This variant is reported in 0.026% of alleles in individuals of European (Non-Finnish) descent in gnomAD. At this time, the clinical significance of this variant is uncertain due to the absence of conclusive functional and genetic evidence.

Labcorp Genetics (formerly Invitae), Labcorp
Classification: Uncertain significance. Last evaluated: 2025-07-10. Review status: criteria provided, single submitter. Criteria: Invitae Variant Classification Sherloc (09022015). Collection method: clinical testing. Allele origin: germline.
Comment: This sequence change replaces leucine, which is neutral and non-polar, with phenylalanine, which is neutral and non-polar, at codon 355 of the UBR1 protein (p.Leu355Phe). This variant is present in population databases (rs142798632, gnomAD 0.03%). This variant has not been reported in the literature in individuals affected with UBR1-related conditions. ClinVar contains an entry for this variant (Variation ID: 1432559). Invitae Evidence Modeling of protein sequence and biophysical properties (such as structural, functional, and spatial information, amino acid conservation, physicochemical variation, residue mobility, and thermodynamic stability) has been performed for this missense variant. However, the output from this modeling did not meet the statistical confidence thresholds required to predict the impact of this variant on UBR1 protein function. In summary, the available evidence is currently insufficient to determine the role of this variant in disease. Therefore, it has been classified as a Variant of Uncertain Significance.

NM_174916.3(UBR1):c.1065A>C (p.Leu355Phe)

Gene: UBR1 (ubiquitin protein ligase E3 component n-recognin 1; minus strand). Cytogenetic location: 15q15.2.
Variant type: single nucleotide variant.
Coding change: c.1065A>C on transcript NM_174916.3 (MANE Select); coding-DNA position 1065, A replaced by C.
Protein change: p.Leu355Phe; replaces leucine 355 with phenylalanine.
Molecular consequence: missense variant.
Genome position (GRCh38, 1-based): chr15:43,059,113, T>G on the plus strand (A>C on the coding strand, the complement: UBR1 is on the minus strand). VCF-style: chr15-43059113-T-G. GRCh37 (hg19) VCF-style: chr15-43351311-T-G.
Other names: c.1065A>C (NM_174916.2); short protein forms L355F.
Identifiers: ClinVar variation 1432559 (VCV001432559.5), dbSNP rs142798632, ClinGen allele CA7518833.